The following is an entry in ClinVar:

NM_006766.5(KAT6A):c.5524_5525del (p.Thr1842fs)

Gene: KAT6A (lysine acetyltransferase 6A; minus strand). Cytogenetic location: 8p11.21.
Variant type: Microsatellite.
Coding change: c.5524_5525del on transcript NM_006766.5 (MANE Select); coding-DNA positions 5524 to 5525, 2 bases deleted (AC; older notation c.5524_5525delAC).
Protein change: p.Thr1842fs; shifts the reading frame from threonine 1842.
Molecular consequence: frameshift variant.
Genome position (GRCh38, 1-based): chr8:41,932,695-41,932,696, GT deleted on the plus strand (AC on the coding strand, the reverse complement: KAT6A is on the minus strand); deleting any 2 consecutive bases within chr8:41,932,695-41,932,699 gives the same sequence; the c. name uses the placement nearest the transcript's 3' end. VCF-style (leftmost placement, unchanged base first): chr8-41932694-CGT-C. GRCh37 (hg19) VCF-style: chr8-41790212-CGT-C.
Other names: short protein forms T1842fs.
Identifiers: ClinVar variation 5016827 (VCV005016827.1).
Genomic context (GRCh38, chr8:41,932,694, plus strand): 5'-CGCAGACTTGGAGCGGATGGAAATGTGCCCCTTCACTGGCATTTGCCCTTGCAATCTCTG[CGT>C]GTGAGGAATGCCAATGTTGGTGGCAGACATGTTGCACTGAAGCAGAGGAGATGTGAGGTT-3'

ClinVar aggregate classification (germline): Likely pathogenic (1 of 4 stars; one submission).

Submission:

GeneDx
Classification: Likely pathogenic. Last evaluated: 2026-04-02. Review status: criteria provided, single submitter. Criteria: GeneDx Variant Classification Process June 2021. Collection method: clinical testing. Allele origin: germline.
Comment: Frameshift variant predicted to result in abnormal protein length as the last 163 amino acid(s) are replaced with 35 different amino acid(s), and other similar variants have been reported in HGMD; Not observed at significant frequency in large population cohorts (gnomAD); Has not been previously published as pathogenic or benign to our knowledge